The following is an entry in ClinVar:

NM_002202.3(ISL1):c.308A>G (p.Glu103Gly)

Gene: ISL1 (ISL LIM homeobox 1; plus strand). Cytogenetic location: 5q11.1.
Variant type: single nucleotide variant.
Coding change: c.308A>G on transcript NM_002202.3 (MANE Select); coding-DNA position 308, A replaced by G.
Protein change: p.Glu103Gly; replaces glutamic acid 103 with glycine.
Molecular consequence: missense variant.
Genome position (GRCh38, 1-based): chr5:51,387,579, A>G. VCF-style: chr5-51387579-A-G. GRCh37 (hg19) VCF-style: chr5-50683413-A-G.
Other names: short protein forms E103G.
Identifiers: ClinVar variation 3348454 (VCV003348454.1).

ClinVar aggregate classification (germline): Uncertain significance (0 of 4 stars; one submission).

Conditions:
ISL1-related disorder. Also called: ISL1-related condition.

gnomAD v4.1: 1 of 1,614,190 alleles (0.000062%); highest among the groups gnomAD compares: Non-Finnish European, 0.000085%; no homozygotes.

Submission:

PreventionGenetics, part of Exact Sciences
Classification: Uncertain significance for ISL1-related condition. Last evaluated: 2024-01-24. Review status: no assertion criteria provided. Collection method: clinical testing. Allele origin: germline.
Comment: The ISL1 c.308A>G variant is predicted to result in the amino acid substitution p.Glu103Gly. To our knowledge, this variant has not been reported in the literature. This variant is reported in 0.00088% of alleles in individuals of European (Non-Finnish) descent in gnomAD. At this time, the clinical significance of this variant is uncertain due to the absence of conclusive functional and genetic evidence.